The following is an entry in ClinVar:

ClinVar aggregate classification (germline): Pathogenic/Likely pathogenic. Review status: criteria provided, multiple submitters, no conflicts (2 of 4 stars). 2 submissions from 2 submitters: Pathogenic (1); Likely pathogenic (1). Last evaluated 2025-10-09.

Conditions:
Deficiency of acetyl-CoA acetyltransferase. Also called: 3-KETOTHIOLASE DEFICIENCY; 3-OXOTHIOLASE DEFICIENCY; MITOCHONDRIAL ACETOACETYL-CoA THIOLASE DEFICIENCY; Beta-ketothiolase deficiency. Identifiers: Orphanet 134, MedGen C1536500, MONDO:0008760, OMIM 203750. Disease mechanism: loss of function.

Submissions (2):

Myriad Genetics, Inc.
Classification: Pathogenic for Deficiency of acetyl-CoA acetyltransferase. Last evaluated: 2025-10-09. Review status: criteria provided, single submitter. Criteria: Myriad Autosomal Dominant, Autosomal Recessive and X-Linked Classification Criteria (2023). Collection method: clinical testing. Allele origin: unknown.
Comment: NM_000019.3(ACAT1):c.965dupC(I323Yfs*2) is expected to be pathogenic in the context of beta-ketothiolase deficiency. This variant is predicted to lead to an abnormal or absent protein product due to the creation of a premature termination codon in ACAT1, a gene where loss-of-function variants are known to be pathogenic. Please note: this variant was assessed in the context of healthy population screening.

Natera, Inc.
Classification: Likely pathogenic for Alpha-methylacetoacetic aciduria. Last evaluated: 2024-03-20. Review status: criteria provided, single submitter. Criteria: Natera Variant Classification Schema (03/2026). Collection method: clinical testing. Allele origin: germline.
Comment: The c.965dupC variant in ACAT1 is a frameshift variant predicted to shift the reading frame beginning at codon 323 and leads to a stop codon 2 codons downstream. This variant is expected to result in nonsense mediated decay, truncation, or a dysfunctional protein product. This variant is rare in the general population with a frequency below the threshold expected for the associated phenotype(s). Given the available evidence, this variant is classified as Likely Pathogenic.

NM_000019.4(ACAT1):c.965dup (p.Ile323fs)

Gene: ACAT1 (acetyl-CoA acetyltransferase 1; plus strand). Cytogenetic location: 11q22.3.
Variant type: Duplication.
Coding change: c.965dup on transcript NM_000019.4 (MANE Select); coding-DNA position 965, one base duplicated (C; older notation c.965dupC).
Protein change: p.Ile323fs; shifts the reading frame from isoleucine 323.
Molecular consequence: frameshift variant. On other transcripts: non-coding transcript variant (1).
Genome position (GRCh38, 1-based): chr11:108,144,007, C duplicated; the last of 2 consecutive C bases (chr11:108,144,006-108,144,007); duplicating either gives the same sequence. VCF-style (leftmost placement, unchanged base first): chr11-108144005-A-AC. GRCh37 (hg19) VCF-style: chr11-108014732-A-AC.
Other names: c.965dup, p.Ile323fs (NM_001386677.1); c.650dup, p.Ile218fs (NM_001386678.1); c.668dup, p.Ile224fs (NM_001386679.1); c.695dup, p.Ile233fs (NM_001386681.1, NM_001386682.1, NM_001386685.1 and 6 more transcripts); short protein forms I218fs, I224fs, I233fs, I323fs.
Identifiers: ClinVar variation 4817608 (VCV004817608.2).
Genomic context (GRCh38, chr11:108,144,005, plus strand): 5'-AAGATTTTAACAACCCCCCCCCCCCTTTTTTTAAACAGCATTTGCTGACGCTGCTGTAGA[A>AC]CCTATTGATTTTCCAATTGCTCCTGTATATGCTGCATCTATGGTGAGAACAAAGTGAGGG-3'